The following is an entry in ClinVar:

NM_003410.4(ZFX):c.301G>C (p.Asp101His)

Gene: ZFX (zinc finger protein X-linked; plus strand). Cytogenetic location: Xp22.11.
Variant type: single nucleotide variant.
Coding change: c.301G>C on transcript NM_003410.4 (MANE Select); coding-DNA position 301, G replaced by C.
Protein change: p.Asp101His; replaces aspartic acid 101 with histidine.
Molecular consequence: missense variant. On other transcripts: intron variant (1).
Genome position (GRCh38, 1-based): chrX:24,179,425, G>C. VCF-style: chrX-24179425-G-C. GRCh37 (hg19) VCF-style: chrX-24197542-G-C.
Other names: c.301G>C, p.Asp101His (NM_001178084.2, NM_001178085.1, NM_001178095.2); c.418G>C, p.Asp140His (NM_001330327.2); c.-41-27901G>C (NM_001178086.2); short protein forms D140H, D101H.
Identifiers: ClinVar variation 5008537 (VCV005008537.1).

ClinVar aggregate classification (germline): Uncertain significance (1 of 4 stars; one submission).

Submission:

GeneDx
Classification: Uncertain significance. Last evaluated: 2026-03-15. Review status: criteria provided, single submitter. Criteria: GeneDx Variant Classification Process June 2021. Collection method: clinical testing. Allele origin: germline.
Comment: Not observed at significant frequency in large population cohorts (gnomAD); In silico analysis supports that this missense variant has a deleterious effect on protein structure/function; Has not been previously published as pathogenic or benign to our knowledge